The following is an entry in ClinVar:

ClinVar aggregate classification (germline): Uncertain significance (1 of 4 stars; one submission).

Conditions:
Congenital myopathy with internal nuclei and atypical cores. Also called: Myopathy, centronuclear, 4. Identifiers: Orphanet 319160, MedGen C4707232, MONDO:0013890, OMIM 614807.

Submission:

Labcorp Genetics (formerly Invitae), Labcorp
Classification: Uncertain significance for Congenital myopathy with internal nuclei and atypical cores. Last evaluated: 2018-03-25. Review status: criteria provided, single submitter. Criteria: Invitae Variant Classification Sherloc (09022015). Collection method: clinical testing. Allele origin: germline.
Comment: In summary, the available evidence is currently insufficient to determine the role of this variant in disease. Therefore, it has been classified as a Variant of Uncertain Significance. Algorithms developed to predict the effect of missense changes on protein structure and function do not agree on the potential impact of this missense change (SIFT: "Deleterious"; PolyPhen-2: "Benign"; Align-GVGD: "Class C0"). This variant has not been reported in the literature in individuals with CCDC78-related disease. This variant is not present in population databases (ExAC no frequency). This sequence change replaces serine with phenylalanine at codon 139 of the CCDC78 protein (p.Ser139Phe). The serine residue is moderately conserved and there is a large physicochemical difference between serine and phenylalanine.

NM_001378030.1(CCDC78):c.416C>T (p.Ser139Phe)

Gene: CCDC78 (coiled-coil domain containing 78; minus strand). Cytogenetic location: 16p13.3.
Variant type: single nucleotide variant.
Coding change: c.416C>T on transcript NM_001378030.1 (MANE Select); coding-DNA position 416, C replaced by T.
Protein change: p.Ser139Phe; replaces serine 139 with phenylalanine.
Molecular consequence: missense variant. On other transcripts: non-coding transcript variant (4), intron variant (1).
Genome position (GRCh38, 1-based): chr16:725,432, G>A on the plus strand (C>T on the coding strand, the complement: CCDC78 is on the minus strand). VCF-style: chr16-725432-G-A. GRCh37 (hg19) VCF-style: chr16-775432-G-A.
Other names: c.416C>T, p.Ser139Phe (NM_001031737.3, NM_001378031.1); c.-18-139C>T (NM_001378033.1); short protein forms S139F.
Identifiers: ClinVar variation 581756 (VCV000581756.8), dbSNP rs374382609, ClinGen allele CA276520817.